The following is an entry in ClinVar:

NM_001128431.4(SLC39A14):c.178C>T (p.Gln60Ter)

Gene: SLC39A14 (solute carrier family 39 member 14; plus strand). Cytogenetic location: 8p21.3.
Variant type: single nucleotide variant.
Coding change: c.178C>T on transcript NM_001128431.4 (MANE Select); coding-DNA position 178, C replaced by T.
Protein change: p.Gln60Ter; replaces glutamine 60 with a stop codon.
Molecular consequence: nonsense.
Genome position (GRCh38, 1-based): chr8:22,404,888, C>T. VCF-style: chr8-22404888-C-T. GRCh37 (hg19) VCF-style: chr8-22262401-C-T.
Other names: c.178C>T, p.Gln60Ter (NM_001135153.3, NM_001135154.3, NM_001351655.2 and 3 more transcripts); c.208C>T, p.Gln70Ter (NM_001351657.2, NM_001351658.2, NM_001351659.2); short protein forms Q70*, Q60*.
Identifiers: ClinVar variation 2091463 (VCV002091463.4), dbSNP rs1835120360, ClinGen allele CA370522393.

ClinVar aggregate classification (germline): Pathogenic (1 of 4 stars; one submission).

Allele frequency attached by ClinVar (database versions not stated): TOPMed below 0.00001; gnomAD 0.00001.
gnomAD v4.1: 1 of 1,614,056 alleles (0.000062%); highest among the groups gnomAD compares: Non-Finnish European, 0.000085%; no homozygotes.

Submission:

Labcorp Genetics (formerly Invitae), Labcorp
Classification: Pathogenic. Last evaluated: 2024-05-15. Review status: criteria provided, single submitter. Criteria: Invitae Variant Classification Sherloc (09022015). Collection method: clinical testing. Allele origin: germline.
Comment: This sequence change creates a premature translational stop signal (p.Gln60*) in the SLC39A14 gene. It is expected to result in an absent or disrupted protein product. Loss-of-function variants in SLC39A14 are known to be pathogenic (PMID: 27231142). This variant is not present in population databases (gnomAD no frequency). This variant has not been reported in the literature in individuals affected with SLC39A14-related conditions. ClinVar contains an entry for this variant (Variation ID: 2091463). For these reasons, this variant has been classified as Pathogenic.

Literature cited by the submitters: PubMed 27231142.